The following is an entry in ClinVar:

ClinVar aggregate classification (germline): Uncertain significance (1 of 4 stars; one submission).

Submission:

GeneDx
Classification: Uncertain significance. Last evaluated: 2025-04-16. Review status: criteria provided, single submitter. Criteria: GeneDx Variant Classification Process June 2021. Collection method: clinical testing. Allele origin: germline. Affected: yes.
Comment: Not observed at significant frequency in large population cohorts (gnomAD); In silico analysis supports that this missense variant has a deleterious effect on protein structure/function; Has not been previously published as pathogenic or benign to our knowledge.

NM_000719.7(CACNA1C):c.270G>C (p.Lys90Asn)

Gene: CACNA1C (calcium voltage-gated channel subunit alpha1 C; plus strand). Cytogenetic location: 12p13.33.
Variant type: single nucleotide variant.
Coding change: c.270G>C on transcript NM_000719.7 (MANE Select); coding-DNA position 270, G replaced by C.
Protein change: p.Lys90Asn; replaces lysine 90 with asparagine.
Molecular consequence: missense variant.
Genome position (GRCh38, 1-based): chr12:2,115,444, G>C. VCF-style: chr12-2115444-G-C. GRCh37 (hg19) VCF-style: chr12-2224610-G-C.
Other names: c.270G>C, p.Lys90Asn (NM_001129832.2, NM_001129833.2, NM_001129834.2 and 19 more transcripts); short protein forms K90N.
Identifiers: ClinVar variation 4282257 (VCV004282257.1).